The following is an entry in ClinVar:

ClinVar aggregate classification (germline): Likely benign (1 of 4 stars; one submission).

Conditions:
PKD1-related disorder. Also called: PKD1-related condition.

gnomAD v4.1: 1 of 1,557,176 alleles (0.000064%); highest among the groups gnomAD compares: Admixed American, 0.0019%; no homozygotes.

Submission:

PreventionGenetics, part of Exact Sciences
Classification: Likely benign for PKD1-related condition. Last evaluated: 2025-12-22. Review status: criteria provided, single submitter. Criteria: ACMG Guidelines, 2015. Collection method: clinical testing. Allele origin: germline.
Comment: This variant is classified as likely benign based on ACMG/AMP sequence variant interpretation guidelines (Richards et al. 2015 PMID: 25741868, with internal and published modifications).

NM_001009944.3(PKD1):c.2079G>T (p.Gly693=)

Gene: PKD1 (polycystin 1, transient receptor potential channel interacting; minus strand). Cytogenetic location: 16p13.3.
Variant type: single nucleotide variant.
Coding change: c.2079G>T on transcript NM_001009944.3 (MANE Select); coding-DNA position 2079, G replaced by T.
Protein change: p.Gly693=; no amino-acid change (glycine 693 retained).
Molecular consequence: synonymous variant.
Genome position (GRCh38, 1-based): chr16:2,115,396, C>A on the plus strand (G>T on the coding strand, the complement: PKD1 is on the minus strand). VCF-style: chr16-2115396-C-A. GRCh37 (hg19) VCF-style: chr16-2165397-C-A.
Other names: c.2079G>T, p.Gly693= (NM_000296.4).
Identifiers: ClinVar variation 4983484 (VCV004983484.1).